The following is an entry in ClinVar:

ClinVar aggregate classification (germline): Uncertain significance (1 of 4 stars; one submission).

Conditions:
Cystic fibrosis (CF). Also called: MUCOVISCIDOSIS. Identifiers: Orphanet 586, MedGen C0010674, MONDO:0009061, OMIM 219700. Disease mechanism: loss of function.

Submission:

Labcorp Genetics (formerly Invitae), Labcorp
Classification: Uncertain significance for Cystic fibrosis. Last evaluated: 2021-08-28. Review status: criteria provided, single submitter. Criteria: Invitae Variant Classification Sherloc (09022015). Collection method: clinical testing. Allele origin: germline.
Comment: This sequence change replaces glutamic acid with glycine at codon 292 of the CFTR protein (p.Glu292Gly). The glutamic acid residue is highly conserved and there is a moderate physicochemical difference between glutamic acid and glycine. This variant is not present in population databases (ExAC no frequency). This variant has not been reported in the literature in individuals affected with CFTR-related conditions. Algorithms developed to predict the effect of missense changes on protein structure and function (SIFT, PolyPhen-2, Align-GVGD) all suggest that this variant is likely to be disruptive. In summary, the available evidence is currently insufficient to determine the role of this variant in disease. Therefore, it has been classified as a Variant of Uncertain Significance.

NM_000492.4(CFTR):c.875A>G (p.Glu292Gly)

Gene: CFTR (CF transmembrane conductance regulator; plus strand). Cytogenetic location: 7q31.2.
Variant type: single nucleotide variant.
Coding change: c.875A>G on transcript NM_000492.4 (MANE Select); coding-DNA position 875, A replaced by G.
Protein change: p.Glu292Gly; replaces glutamic acid 292 with glycine.
Molecular consequence: missense variant.
Genome position (GRCh38, 1-based): chr7:117,540,105, A>G. VCF-style: chr7-117540105-A-G. GRCh37 (hg19) VCF-style: chr7-117180159-A-G.
Other names: short protein forms E292G.
Identifiers: ClinVar variation 855937 (VCV000855937.7), dbSNP rs1799023050, ClinGen allele CA368977854.
Genomic context (GRCh38, chr7:117,540,105, plus strand): 5'-TGATATTTGAAAAATAAAATAACATCCTGAATTTTATTGTTATTGTTTTTTATAGAACAG[A>G]ACTGAAACTGACTCGGAAGGCAGCCTATGTGAGATACTTCAATAGCTCAGCCTTCTTCTT-3'
Protein context (NP_000483.3, residues 282-302): EKMIENLRQT[Glu292Gly]LKLTRKAAYV